The following is an entry in ClinVar:

ClinVar aggregate classification (germline): Benign. Review status: criteria provided, multiple submitters, no conflicts (2 of 4 stars). 9 submissions from 6 submitters: Benign (9). Last evaluated 2026-02-01.

Conditions:
Cone-rod dystrophy 12 (CORD12). Identifiers: Orphanet 1872, MedGen C2675210, MONDO:0012983, OMIM 612657.
Stargardt disease 4 (STGD4). Identifiers: Orphanet 827, MedGen C1863534, MONDO:0011370, OMIM 603786.
Retinal macular dystrophy type 2 (MCDR2). Also called: Bull's eye macular dystrophy. Identifiers: Orphanet 319640, MedGen C4749334, MONDO:0011957, OMIM 608051.
Retinitis pigmentosa (RP). Identifiers: Orphanet 791, MedGen C0035334, MeSH D012174, MONDO:0019200, OMIM 268000. Inheritance: Autosomal dominant, autosomal recessive and X linked inheritance.

Allele frequency attached by ClinVar (database versions not stated): ESP Exome Variant Server 0.03585; gnomAD 0.04259 and 0.04569; TOPMed 0.05049; ExAC 0.05413; 1000 Genomes Project 30x 0.09260; 1000 Genomes Project 0.09405.
gnomAD v4.1: 43,071 of 1,595,646 alleles (2.7%); highest among the groups gnomAD compares: East Asian, 18%; 1,760 homozygotes.

Submissions (9):

Labcorp Genetics (formerly Invitae), Labcorp
Classification: Benign. Last evaluated: 2026-02-01. Review status: criteria provided, single submitter. Criteria: Invitae Variant Classification Sherloc (09022015). Collection method: clinical testing. Allele origin: germline.

Blueprint Genetics
Classification: Benign. Last evaluated: 2024-11-27. Review status: criteria provided, single submitter. Criteria: ACMG Guidelines, 2015. Collection method: clinical testing. Allele origin: germline.

GeneDx
Classification: Benign. Last evaluated: 2018-07-05. Review status: criteria provided, single submitter. Criteria: GeneDx Variant Classification Process June 2021. Collection method: clinical testing. Allele origin: germline. Affected: yes.

Illumina Laboratory Services, Illumina
Classification: Benign for Retinal macular dystrophy type 2. Last evaluated: 2018-01-13. Review status: criteria provided, single submitter. Criteria: ICSL Variant Classification Criteria 13 December 2019. Collection method: clinical testing. Allele origin: germline.
Comment: This variant was observed in the ICSL laboratory as part of a predisposition screen in an ostensibly healthy population. It had not been previously curated by ICSL or reported in the Human Gene Mutation Database (HGMD: prior to June 1st, 2018), and was therefore a candidate for classification through an automated scoring system. Utilizing variant allele frequency, disease prevalence and penetrance estimates, and inheritance mode, an automated score was calculated to assess if this variant is too frequent to cause the disease. Based on the score and internal cut-off values, a variant classified as benign is not then subjected to further curation. The score for this variant resulted in a classification of benign for this disease.

Illumina Laboratory Services, Illumina
Classification: Benign for Stargardt disease 4. Last evaluated: 2018-01-13. Review status: criteria provided, single submitter. Criteria: ICSL Variant Classification Criteria 13 December 2019. Collection method: clinical testing. Allele origin: germline.
Comment: the same text as in the submission from Illumina Laboratory Services, Illumina above.

Illumina Laboratory Services, Illumina
Classification: Benign for Cone-rod dystrophy 12. Last evaluated: 2018-01-13. Review status: criteria provided, single submitter. Criteria: ICSL Variant Classification Criteria 13 December 2019. Collection method: clinical testing. Allele origin: germline.
Comment: the same text as in the submission from Illumina Laboratory Services, Illumina above.

Illumina Laboratory Services, Illumina
Classification: Benign for Retinitis pigmentosa. Last evaluated: 2018-01-13. Review status: criteria provided, single submitter. Criteria: ICSL Variant Classification Criteria 13 December 2019. Collection method: clinical testing. Allele origin: germline.
Comment: the same text as in the submission from Illumina Laboratory Services, Illumina above.

Breakthrough Genomics
Classification: Benign. Review status: criteria provided, single submitter. Criteria: ACMG Guidelines, 2015. Collection method: not provided. Allele origin: germline. Inheritance: Autosomal recessive inheritance. Affected: yes.

PreventionGenetics, part of Exact Sciences
Classification: Benign. Review status: criteria provided, single submitter. Criteria: ACMG Guidelines, 2015. Collection method: clinical testing. Allele origin: germline.

NM_006017.3(PROM1):c.1983+14G>A

Gene: PROM1 (prominin 1; minus strand). Cytogenetic location: 4p15.32.
Variant type: single nucleotide variant.
Coding change: c.1983+14G>A on transcript NM_006017.3 (MANE Select); 14 bases into the intron after coding-DNA position 1983, G replaced by A.
Molecular consequence: intron variant.
Genome position (GRCh38, 1-based): chr4:15,991,208, C>T on the plus strand (G>A on the coding strand, the complement: PROM1 is on the minus strand). VCF-style: chr4-15991208-C-T. GRCh37 (hg19) VCF-style: chr4-15992831-C-T.
Other names: c.1956+14G>A (NM_001145848.2, NM_001145852.2, NM_001145847.2 and 4 more transcripts); c.1983+14G>A (NM_001145850.2, NM_001145849.2).
Identifiers: ClinVar variation 259905 (VCV000259905.20), dbSNP rs4698436, ClinGen allele CA2866564.
Genomic context (GRCh38, chr4:15,991,208, plus strand): 5'-AGCTTCCCTAAGAATGGTACTGACATTTGACATCTACAACTACTACAGTATTTAACCGGA[C>T]GATTTGAACTCACCAAACTGTTTGCTTTTGCTTCTAGATCATATGCAAATGATAAAAGAT-3'